The following is an entry in ClinVar:

ClinVar aggregate classification (germline): Pathogenic. Review status: criteria provided, multiple submitters, no conflicts (2 of 4 stars). 7 submissions from 7 submitters: Pathogenic (6). 1 of the submissions does not count toward it. Last evaluated 2026-01-17.

Conditions:
Medium-chain acyl-coenzyme A dehydrogenase deficiency (ACADMD). Also called: Medium chain acyl-CoA dehydrogenase deficiency; MCAD Deficiency; MCADD; ACADM DEFICIENCY; CARNITINE DEFICIENCY SECONDARY TO MEDIUM-CHAIN ACYL-CoA DEHYDROGENASE DEFICIENCY; MCADH DEFICIENCY. Identifiers: Orphanet 42, MedGen C0220710, MONDO:0008721, OMIM 201450.

Allele frequency attached by ClinVar (database versions not stated): gnomAD exomes below 0.00001 and 0.00001; gnomAD 0.00001; TOPMed 0.00002.

Submissions (7):

Labcorp Genetics (formerly Invitae), Labcorp
Classification: Pathogenic for Medium-chain acyl-coenzyme A dehydrogenase deficiency. Last evaluated: 2026-01-17. Review status: criteria provided, single submitter. Criteria: Invitae Variant Classification Sherloc (09022015). Collection method: clinical testing. Allele origin: germline.
Comment: This sequence change creates a premature translational stop signal (p.Ala372Glyfs*11) in the ACADM gene. It is expected to result in an absent or disrupted protein product. Loss-of-function variants in ACADM are known to be pathogenic (PMID: 16121256, 20434380). This variant is present in population databases (no rsID available, gnomAD 0.0009%). This premature translational stop signal has been observed in individual(s) with medium-chain acyl-coenzyme A dehydrogenase deficiency (PMID: 23028790). This variant is also known as c.1114–1115insG. ClinVar contains an entry for this variant (Variation ID: 370160). For these reasons, this variant has been classified as Pathogenic.

CeGaT Center for Human Genetics Tuebingen
Classification: Pathogenic. Last evaluated: 2025-08-01. Review status: criteria provided, single submitter. Criteria: CeGaT Center For Human Genetics Tuebingen Variant Classification Criteria Version 2. Collection method: clinical testing. Allele origin: germline. Affected: yes. Observed: 1 variant allele.
Comment: ACADM: PVS1, PM2, PM3, PP4:Moderate

GeneDx
Classification: Pathogenic. Last evaluated: 2025-04-16. Review status: criteria provided, single submitter. Criteria: GeneDx Variant Classification Process June 2021. Collection method: clinical testing. Allele origin: germline. Affected: yes.
Comment: Frameshift variant predicted to result in abnormal protein length as the last 50 amino acids are replaced with 10 different amino acids, and other similar variants have been reported in HGMD; Not observed at significant frequency in large population cohorts (gnomAD); This variant is associated with the following publications: (PMID: 23028790)

Natera, Inc.
Classification: Pathogenic for Medium Chain Acyl-CoA Dehydrogenase Deficiency. Last evaluated: 2025-02-05. Review status: criteria provided, single submitter. Criteria: Natera Variant Classification Schema (03/2026). Collection method: clinical testing. Allele origin: germline.
Comment: The c.1114dupG variant in ACADM is a frameshift variant predicted to shift the reading frame beginning at codon 372 and leads to a stop codon 11 codons downstream. This variant is expected to result in nonsense mediated decay, truncation, or a dysfunctional protein product. This variant is rare in the general population with a frequency below the threshold expected for the associated phenotype(s). This variant has been observed in one or more individuals affected with the associated recessive disease, as either homozygous or compound heterozygous with a second variant (PMID: 34578803, 36840705). Given the available evidence, this variant is classified as Pathogenic.

Baylor Genetics
Classification: Pathogenic for Medium-chain acyl-coenzyme A dehydrogenase deficiency. Last evaluated: 2023-08-19. Review status: criteria provided, single submitter. Criteria: ACMG Guidelines, 2015. Collection method: clinical testing. Allele origin: unknown.

Women's Health and Genetics/Laboratory Corporation of America, LabCorp
Classification: Pathogenic for Medium-chain acyl-coenzyme A dehydrogenase deficiency. Last evaluated: 2016-05-19. Review status: criteria provided, single submitter. Criteria: LabCorp Variant Classification Summary - May 2015. Collection method: clinical testing. Allele origin: germline.
Comment: Variant summary: The ACADM c.1114dupG (p.Ala372Glyfs) variant results in a premature termination codon, predicted to cause a truncated or absent ACADM protein due to nonsense mediated decay, which are commonly known mechanisms for disease. The variant of interest was not observed in controls (ExAC, 1000 Gs, or ESP). The variant of interest was reported in one affected newborn via publications. Therefore, taking all available lines of evidence into consideration, the variant of interest is classified as Pathogenic.

Counsyl
Classification: Likely pathogenic for Medium-chain acyl-coenzyme A dehydrogenase deficiency. Last evaluated: 2015-12-07. Review status: no assertion criteria provided. Collection method: clinical testing. Allele origin: unknown. Not counted in ClinVar's aggregate classification.

Literature cited by the submitters: PubMed 16121256 (cited by Labcorp Genetics (formerly Invitae), Labcorp); PubMed 20434380 (cited by Labcorp Genetics (formerly Invitae), Labcorp); PubMed 23028790 (cited by 3 submitters); PubMed 34578803 (cited by Natera, Inc.); PubMed 36840705 (cited by Natera, Inc.).

NM_000016.6(ACADM):c.1114dup (p.Ala372fs)

Gene: ACADM (acyl-CoA dehydrogenase medium chain; plus strand). Cytogenetic location: 1p31.1.
Variant type: Duplication.
Coding change: c.1114dup on transcript NM_000016.6 (MANE Select); coding-DNA position 1114, one base duplicated (G; older notation c.1114dupG).
Protein change: p.Ala372fs; shifts the reading frame from alanine 372.
Molecular consequence: frameshift variant.
Genome position (GRCh38, 1-based): chr1:75,761,290, G duplicated. VCF-style (leftmost placement, unchanged base first): chr1-75761289-T-TG. GRCh37 (hg19) VCF-style: chr1-76226974-T-TG.
Other names: c.1126dup, p.Ala376fs (NM_001127328.3); c.1006dup, p.Ala336fs (NM_001286042.2); c.1213dup, p.Ala405fs (NM_001286043.2); c.547dup, p.Ala183fs (NM_001286044.2); c.1114dup (NM_000016.4); c.1114dupG (NM_000016.5); short protein forms A336fs, A405fs, A183fs, A372fs, A376fs.
Identifiers: ClinVar variation 370160 (VCV000370160.25), dbSNP rs1057516278, ClinGen allele CA16040786.